The following is an entry in ClinVar:

ClinVar aggregate classification (germline): Uncertain significance (1 of 4 stars; one submission).

Allele frequency attached by ClinVar (database versions not stated): gnomAD exomes below 0.00001.
gnomAD v4.1: 1 of 1,613,508 alleles (0.000062%); highest among the groups gnomAD compares: East Asian, 0.0022%; no homozygotes.

Submission:

Labcorp Genetics (formerly Invitae), Labcorp
Classification: Uncertain significance. Last evaluated: 2022-03-18. Review status: criteria provided, single submitter. Criteria: Invitae Variant Classification Sherloc (09022015). Collection method: clinical testing. Allele origin: germline.
Comment: This sequence change replaces valine, which is neutral and non-polar, with leucine, which is neutral and non-polar, at codon 2608 of the CPLANE1 protein (p.Val2608Leu). This variant is present in population databases (no rsID available, gnomAD 0.006%). This variant has not been reported in the literature in individuals affected with CPLANE1-related conditions. Advanced modeling of protein sequence and biophysical properties (such as structural, functional, and spatial information, amino acid conservation, physicochemical variation, residue mobility, and thermodynamic stability) performed at Invitae indicates that this missense variant is not expected to disrupt CPLANE1 protein function. In summary, the available evidence is currently insufficient to determine the role of this variant in disease. Therefore, it has been classified as a Variant of Uncertain Significance.

NM_001384732.1(CPLANE1):c.7876G>C (p.Val2626Leu)

Gene: CPLANE1 (ciliogenesis and planar polarity effector complex subunit 1; minus strand). Cytogenetic location: 5p13.2.
Variant type: single nucleotide variant.
Coding change: c.7876G>C on transcript NM_001384732.1 (MANE Select); coding-DNA position 7876, G replaced by C.
Protein change: p.Val2626Leu; replaces valine 2626 with leucine.
Molecular consequence: missense variant.
Genome position (GRCh38, 1-based): chr5:37,157,805, C>G on the plus strand (G>C on the coding strand, the complement: CPLANE1 is on the minus strand). VCF-style: chr5-37157805-C-G. GRCh37 (hg19) VCF-style: chr5-37157907-C-G.
Other names: c.7822G>C, p.Val2608Leu (NM_023073.4); short protein forms V2608L, V2626L.
Identifiers: ClinVar variation 2081592 (VCV002081592.4), dbSNP rs1172144094, ClinGen allele CA359474940.